The following continues an entry in ClinVar:

NM_000051.4(ATM):c.3925G>A (p.Ala1309Thr)

Gene: ATM. ClinVar aggregate classification (germline): Benign. Benign (1).

Submissions 31 to 33 of 33:

Baylor Genetics
Classification: Uncertain significance for Ataxia-telangiectasia syndrome. Last evaluated: 2019-01-20. Review status: flagged submission. Criteria: ACMG Guidelines, 2015. Collection method: clinical testing. Allele origin: paternal. Affected: yes. Study: CSER-TexasKidsCanSeq. Not counted in ClinVar's aggregate classification.
Comment: This variant was determined to be of uncertain significance according to ACMG Guidelines, 2015 [PMID:25741868].
ClinVar note: Reason: Conflicts with expert reviewed submission without evidence to support different classification

Pittsburgh Clinical Genomics Laboratory, University of Pittsburgh Medical Center
Classification: Uncertain significance for Hereditary Breast and Ovarian Cancer Syndrome. Last evaluated: 2018-03-09. Review status: flagged submission. Criteria: ACMG Guidelines, 2015. Collection method: clinical testing. Allele origin: germline. Affected: yes. Observed: 1 variant allele. Not counted in ClinVar's aggregate classification.
Comment: This sequence variant is a single nucleotide substitution (G>A) that results in an alanine to threonine amino acid change at residue 1309 in the ATM protein. The variant is found at a frequency of 0.0062 (75/120390 alleles) in the Exome Aggregation Consortium database, with highest frequency among non-Finnish Europeans (0.00091, 61/66688 alleles). This residue (Ala1309) is not well conserved and is not found in a protein functional domain. In silico computational tools are inconclusive in their predictions on effects on protein structure and function. In a breast cancer case-control study (PMID: 19781682), the variant was found in 3/2531 cases and 3/2245 controls. These data indicate that this variant is not likely to be associated with disease, as it is found in equal frequencies in case and control populations. However, there is insufficient evidence to conclusively rule out any disease association. Thus, we consider this to be a variant of uncertain significance.
ClinVar note: Reason: Conflicts with expert reviewed submission without evidence to support different classification

True Health Diagnostics
Classification: Uncertain significance for Hereditary cancer-predisposing syndrome. Last evaluated: 2017-09-29. Review status: flagged submission. Collection method: clinical testing. Allele origin: germline. Not counted in ClinVar's aggregate classification.
ClinVar note: Reason: Conflicts with expert reviewed submission without evidence to support different classification

Literature cited by the submitters: PubMed 25085752 (cited by Myriad Genetics, Inc.); PubMed 28580595 (cited by Sema4); PubMed 29371908 (cited by 3 submitters); PubMed 21787400 (cited by Sema4 and Women's Health and Genetics/Laboratory Corporation of America, LabCorp); PubMed 1739330 (cited by Sema4); PubMed 26976419 (cited by 3 submitters); PubMed 30287823 (cited by Sema4); PubMed 19781682 (cited by 4 submitters); PubMed 30957677 (cited by Sema4); PubMed 25980754 (cited by 3 submitters); PubMed 23555315 (cited by Women's Health and Genetics/Laboratory Corporation of America, LabCorp); PubMed 17393301 (cited by Women's Health and Genetics/Laboratory Corporation of America, LabCorp and Athena Diagnostics); PubMed 20305132 (cited by Women's Health and Genetics/Laboratory Corporation of America, LabCorp); PubMed 12697903 (cited by Women's Health and Genetics/Laboratory Corporation of America, LabCorp and Athena Diagnostics); PubMed 26009992 (cited by Women's Health and Genetics/Laboratory Corporation of America, LabCorp); PubMed 26787654 (cited by Women's Health and Genetics/Laboratory Corporation of America, LabCorp); PubMed 26164066 (cited by Women's Health and Genetics/Laboratory Corporation of America, LabCorp); PubMed 28259476 (cited by Women's Health and Genetics/Laboratory Corporation of America, LabCorp); PubMed 28652578 (cited by Women's Health and Genetics/Laboratory Corporation of America, LabCorp); PubMed 26837699 (cited by Women's Health and Genetics/Laboratory Corporation of America, LabCorp); PubMed 28451460 (cited by Women's Health and Genetics/Laboratory Corporation of America, LabCorp); PubMed 31422574 (cited by Women's Health and Genetics/Laboratory Corporation of America, LabCorp); PubMed 28196074 (cited by Women's Health and Genetics/Laboratory Corporation of America, LabCorp); PubMed 27460089 (cited by Athena Diagnostics); PubMed 23074045 (cited by Athena Diagnostics); PubMed 24886963 (cited by Athena Diagnostics); PubMed 24204193 (cited by Athena Diagnostics).